The following is an entry in ClinVar:

ClinVar aggregate classification (germline): Conflicting classifications of pathogenicity. Review status: criteria provided, conflicting classifications (1 of 4 stars). 4 submissions from 4 submitters: Uncertain significance (3); Likely benign (1). Last evaluated 2025-12-22.

Conditions:
ANKRD1-related dilated cardiomyopathy. Identifiers: MedGen CN119551.
Cardiovascular phenotype. Identifiers: MedGen CN230736.
Hypertrophic cardiomyopathy. Also called: HYPERTROPHIC MYOCARDIOPATHY. Identifiers: Orphanet 217569, MedGen C0007194, MeSH D002312, MONDO:0005045, HP:0001639.

Allele frequency attached by ClinVar (database versions not stated): ExAC 0.00002; gnomAD exomes 0.00003 and 0.00008; TOPMed 0.00004; ESP Exome Variant Server 0.00008.
gnomAD v4.1: 49 of 1,614,074 alleles (0.003%); highest among the groups gnomAD compares: Admixed American, 0.028%; no homozygotes.

Submissions (4):

Labcorp Genetics (formerly Invitae), Labcorp
Classification: Uncertain significance for ANKRD1-related dilated cardiomyopathy. Last evaluated: 2025-12-22. Review status: criteria provided, single submitter. Criteria: Invitae Variant Classification Sherloc (09022015). Collection method: clinical testing. Allele origin: germline.
Comment: This sequence change replaces leucine, which is neutral and non-polar, with valine, which is neutral and non-polar, at codon 45 of the ANKRD1 protein (p.Leu45Val). This variant is present in population databases (rs372030578, gnomAD 0.04%), and has an allele count higher than expected for a pathogenic variant. This variant has not been reported in the literature in individuals affected with ANKRD1-related conditions. ClinVar contains an entry for this variant (Variation ID: 691725). Invitae Evidence Modeling of protein sequence and biophysical properties (such as structural, functional, and spatial information, amino acid conservation, physicochemical variation, residue mobility, and thermodynamic stability) indicates that this missense variant is not expected to disrupt ANKRD1 protein function with a negative predictive value of 80%. In summary, the available evidence is currently insufficient to determine the role of this variant in disease. Therefore, it has been classified as a Variant of Uncertain Significance.

Ambry Genetics
Classification: Uncertain significance for Cardiovascular phenotype. Last evaluated: 2024-10-01. Review status: criteria provided, single submitter. Criteria: Ambry Variant Classification Scheme 2023. Collection method: clinical testing. Allele origin: germline.

ARUP Laboratories, Molecular Genetics and Genomics, ARUP Laboratories
Classification: Uncertain significance. Last evaluated: 2023-11-22. Review status: criteria provided, single submitter. Criteria: ARUP Molecular Germline Variant Investigation Process 2024. Collection method: clinical testing. Allele origin: germline.
Comment: The ANKRD1 c.133C>G; p.Leu45Val variant (rs372030578), to our knowledge, is not reported in the medical literature but is reported in ClinVar (Variation ID: 691725). This variant is found in the Latino population with an allele frequency of 0.05% (14/34592 alleles) in the Genome Aggregation Database. The leucine at codon 45 is highly conserved, but computational analyses (SIFT, PolyPhen-2) predict that this variant is tolerated. Due to limited information, the clinical significance of the p.Leu45Val variant is uncertain at this time. Gene statement: Variants in ANKRD1 have been reported in patients with apparently autosomal dominant hypertrophic and dilated cardiomyopathy, but this gene is not currently associated with any disease in OMIM (MIM: 609599).

Center for Advanced Laboratory Medicine, UC San Diego Health, University of California San Diego
Classification: Likely benign for Hypertrophic cardiomyopathy. Last evaluated: 2019-02-05. Review status: criteria provided, single submitter. Criteria: ACMG Guidelines, 2015. Collection method: clinical testing. Allele origin: germline. Affected: yes. Observed: 1 variant allele.

NM_014391.3(ANKRD1):c.133C>G (p.Leu45Val)

Gene: ANKRD1 (ankyrin repeat domain 1; minus strand). Cytogenetic location: 10q23.31.
Variant type: single nucleotide variant.
Coding change: c.133C>G on transcript NM_014391.3 (MANE Select); coding-DNA position 133, C replaced by G.
Protein change: p.Leu45Val; replaces leucine 45 with valine.
Molecular consequence: missense variant.
Genome position (GRCh38, 1-based): chr10:90,920,243, G>C on the plus strand (C>G on the coding strand, the complement: ANKRD1 is on the minus strand). VCF-style: chr10-90920243-G-C. GRCh37 (hg19) VCF-style: chr10-92680000-G-C.
Other names: c.133C>G (NM_014391.2); short protein forms L45V.
Identifiers: ClinVar variation 691725 (VCV000691725.18), dbSNP rs372030578, ClinGen allele CA5598834.